The following is an entry in ClinVar:

NM_005633.4(SOS1):c.3340C>G (p.His1114Asp)

Gene: SOS1 (SOS Ras/Rac guanine nucleotide exchange factor 1; minus strand). Cytogenetic location: 2p22.1.
Variant type: single nucleotide variant.
Coding change: c.3340C>G on transcript NM_005633.4 (MANE Select); coding-DNA position 3340, C replaced by G.
Protein change: p.His1114Asp; replaces histidine 1114 with aspartic acid.
Molecular consequence: missense variant.
Genome position (GRCh38, 1-based): chr2:38,995,129, G>C on the plus strand (C>G on the coding strand, the complement: SOS1 is on the minus strand). VCF-style: chr2-38995129-G-C. GRCh37 (hg19) VCF-style: chr2-39222270-G-C.
Other names: c.3319C>G, p.His1107Asp (NM_001382394.1); c.3340C>G, p.His1114Asp (NM_001382395.1); short protein forms H1107D, H1114D.
Identifiers: ClinVar variation 3671342 (VCV003671342.2).

ClinVar aggregate classification (germline): Uncertain significance (1 of 4 stars; one submission).

Conditions:
RASopathy. Also called: rasopathies; Noonan spectrum disorder. Identifiers: Orphanet 536391, MedGen C5555857, MONDO:0021060.

gnomAD v4.1: 2 of 1,613,740 alleles (0.00012%); highest among the groups gnomAD compares: Non-Finnish European, 0.00017%; no homozygotes.

Submission:

Labcorp Genetics (formerly Invitae), Labcorp
Classification: Uncertain significance for RASopathy. Last evaluated: 2024-10-30. Review status: criteria provided, single submitter. Criteria: Invitae Variant Classification Sherloc (09022015). Collection method: clinical testing. Allele origin: germline.
Comment: This sequence change replaces histidine, which is basic and polar, with aspartic acid, which is acidic and polar, at codon 1114 of the SOS1 protein (p.His1114Asp). This variant is not present in population databases (gnomAD no frequency). This variant has not been reported in the literature in individuals affected with SOS1-related conditions. Invitae Evidence Modeling of protein sequence and biophysical properties (such as structural, functional, and spatial information, amino acid conservation, physicochemical variation, residue mobility, and thermodynamic stability) indicates that this missense variant is not expected to disrupt SOS1 protein function with a negative predictive value of 95%. In summary, the available evidence is currently insufficient to determine the role of this variant in disease. Therefore, it has been classified as a Variant of Uncertain Significance.